The following is an entry in ClinVar:

ClinVar aggregate classification (germline): Pathogenic/Likely pathogenic. Review status: criteria provided, multiple submitters, no conflicts (2 of 4 stars). 3 submissions from 3 submitters: Pathogenic (1); Likely pathogenic (2). Last evaluated 2022-11-09.

Conditions:
PAK3-related disorder. Also called: PAK3-related condition.
Intellectual developmental disorder, X-linked 30. Also called: MENTAL RETARDATION, X-LINKED 47; Intellectual disability, X-linked 30. Identifiers: Orphanet 777, MedGen C0796237, MONDO:0010361, OMIM 300558.

Allele frequency attached by ClinVar (database versions not stated): ExAC 0.00001.

Submissions (3):

Blueprint Genetics
Classification: Likely pathogenic for PAK3-related disorders. Last evaluated: 2022-11-09. Review status: criteria provided, single submitter. Criteria: ACMG Guidelines, 2015. Collection method: clinical testing. Allele origin: germline. Affected: yes. Observed: 1 variant allele.

GeneDx
Classification: Pathogenic. Last evaluated: 2021-11-15. Review status: criteria provided, single submitter. Criteria: GeneDx Variant Classification Process June 2021. Collection method: clinical testing. Allele origin: germline. Affected: yes.
Comment: Nonsense variant predicted to result in protein truncation or nonsense mediated decay in a gene for which loss-of-function is a known mechanism of disease; No data available from control populations to assess the frequency of this variant; Has not been previously published as pathogenic or benign to our knowledge; This variant is associated with the following publications: (PMID: 31836586)

Molecular Genetics Laboratory, BC Children's and BC Women's Hospitals
Classification: Likely pathogenic for Intellectual developmental disorder, X-linked 30. Last evaluated: 2017-02-15. Review status: criteria provided, single submitter. Criteria: ACMG Guidelines, 2015. Collection method: clinical testing. Allele origin: maternal. Affected: yes.

NM_002578.5(PAK3):c.298C>T (p.Arg100Ter)

Gene: PAK3 (p21 (RAC1) activated kinase 3; plus strand). Cytogenetic location: Xq23.
Variant type: single nucleotide variant.
Coding change: c.298C>T on transcript NM_002578.5 (MANE Select); coding-DNA position 298, C replaced by T.
Protein change: p.Arg100Ter; replaces arginine 100 with a stop codon.
Molecular consequence: nonsense. On other transcripts: non-coding transcript variant (2).
Genome position (GRCh38, 1-based): chrX:111,147,758, C>T. VCF-style: chrX-111147758-C-T. GRCh37 (hg19) VCF-style: chrX-110390986-C-T.
Other names: c.298C>T, p.Arg100Ter (NM_001128166.3, NM_001128167.3, NM_001324325.2 and 5 more transcripts); c.406C>T, p.Arg136Ter (NM_001128168.3); c.361C>T, p.Arg121Ter (NM_001128172.2); c.343C>T, p.Arg115Ter (NM_001128173.3, NM_001324327.2, NM_001324328.2 and 2 more transcripts); short protein forms R100*, R115*, R136*, R121*.
Identifiers: ClinVar variation 438299 (VCV000438299.4), dbSNP rs780775497, ClinGen allele CA10492630.